The following is an entry in ClinVar:

ClinVar aggregate classification (germline): Conflicting classifications of pathogenicity. Review status: criteria provided, conflicting classifications (1 of 4 stars). 2 submissions from 2 submitters: Uncertain significance (1); Likely benign (1). Last evaluated 2023-11-15.

Conditions:
Hereditary cancer-predisposing syndrome. Also called: Neoplastic Syndromes, Hereditary; Hereditary Cancer Syndrome; Hereditary neoplastic syndrome; Tumor predisposition. Identifiers: Orphanet 140162, MedGen C0027672, MeSH D009386, MONDO:0015356.
Hereditary breast ovarian cancer syndrome. Also called: Hereditary breast and/or ovarian cancer syndrome; Breast and ovarian cancer; BRCA1- and BRCA2-Associated Hereditary Breast and Ovarian Cancer; Hereditary breast and ovarian cancer syndrome; Hereditary breast and ovarian cancer syndrome (HBOC); Hereditary breast and ovarian cancer. Identifiers: Orphanet 145, MedGen C0677776, MeSH D061325, MONDO:0003582. Disease mechanism: loss of function.

Submissions (2):

Labcorp Genetics (formerly Invitae), Labcorp
Classification: Uncertain significance for Hereditary breast ovarian cancer syndrome. Last evaluated: 2023-11-15. Review status: criteria provided, single submitter. Criteria: Invitae Variant Classification Sherloc (09022015). Collection method: clinical testing. Allele origin: germline.
Comment: This sequence change replaces methionine, which is neutral and non-polar, with leucine, which is neutral and non-polar, at codon 815 of the BRCA2 protein (p.Met815Leu). This variant is not present in population databases (gnomAD no frequency). This variant has not been reported in the literature in individuals affected with BRCA2-related conditions. ClinVar contains an entry for this variant (Variation ID: 1059710). Advanced modeling of protein sequence and biophysical properties (such as structural, functional, and spatial information, amino acid conservation, physicochemical variation, residue mobility, and thermodynamic stability) performed at Invitae indicates that this missense variant is not expected to disrupt BRCA2 protein function with a negative predictive value of 95%. In summary, the available evidence is currently insufficient to determine the role of this variant in disease. Therefore, it has been classified as a Variant of Uncertain Significance.

University of Washington Department of Laboratory Medicine, University of Washington
Classification: Likely benign for Hereditary cancer-predisposing syndrome. Last evaluated: 2023-03-23. Review status: criteria provided, single submitter. Criteria: Dines et al. (Genet Med. 2020). Collection method: curation. Allele origin: germline.
Comment: Missense variant in a coldspot region where missense variants are very unlikely to be pathogenic (PMID:31911673).

BRCA2 exon 11 coldspot. Reclassification based on statistical prior probability.

NM_000059.4(BRCA2):c.2443A>T (p.Met815Leu)

Gene: BRCA2 (BRCA2 DNA repair associated; plus strand). Cytogenetic location: 13q13.1.
Variant type: single nucleotide variant.
Coding change: c.2443A>T on transcript NM_000059.4 (MANE Select); coding-DNA position 2443, A replaced by T.
Protein change: p.Met815Leu; replaces methionine 815 with leucine.
Molecular consequence: missense variant.
Genome position (GRCh38, 1-based): chr13:32,336,798, A>T. VCF-style: chr13-32336798-A-T. GRCh37 (hg19) VCF-style: chr13-32910935-A-T.
Other names: short protein forms M815L.
Identifiers: ClinVar variation 1059710 (VCV001059710.10), dbSNP rs786203814, ClinGen allele CA387772235.